The following is an entry in ClinVar:

ClinVar aggregate classification (germline): Pathogenic/Likely pathogenic. Review status: criteria provided, multiple submitters, no conflicts (2 of 4 stars). 2 submissions from 2 submitters: Pathogenic (1); Likely pathogenic (1). Last evaluated 2025-01-22.

Submissions (2):

GeneDx
Classification: Pathogenic. Last evaluated: 2025-01-22. Review status: criteria provided, single submitter. Criteria: GeneDx Variant Classification Process June 2021. Collection method: clinical testing. Allele origin: germline. Affected: yes.
Comment: Canonical splice site variant predicted to result in a null allele in a gene for which loss of function is a known mechanism of disease; Not observed at significant frequency in large population cohorts (gnomAD); Has not been previously published as pathogenic or benign to our knowledge

Labcorp Genetics (formerly Invitae), Labcorp
Classification: Likely pathogenic. Last evaluated: 2021-09-17. Review status: criteria provided, single submitter. Criteria: Invitae Variant Classification Sherloc (09022015). Collection method: clinical testing. Allele origin: germline.
Comment: In summary, the currently available evidence indicates that the variant is pathogenic, but additional data are needed to prove that conclusively. Therefore, this variant has been classified as Likely Pathogenic. Algorithms developed to predict the effect of sequence changes on RNA splicing suggest that this variant may disrupt the consensus splice site. This variant has not been reported in the literature in individuals affected with TAB2-related conditions. This variant is not present in population databases (ExAC no frequency). This sequence change affects an acceptor splice site in intron 5 of the TAB2 gene. It is expected to disrupt RNA splicing. Variants that disrupt the donor or acceptor splice site typically lead to a loss of protein function (PMID: 16199547), and loss-of-function variants in TAB2 are known to be pathogenic (PMID: 28386937, 31250519).

Literature cited by the submitters: PubMed 16199547 (cited by Labcorp Genetics (formerly Invitae), Labcorp); PubMed 28386937 (cited by Labcorp Genetics (formerly Invitae), Labcorp); PubMed 31250519 (cited by Labcorp Genetics (formerly Invitae), Labcorp).

NM_001292034.3(TAB2):c.1604-2A>G

Gene: TAB2 (TGF-beta activated kinase 1 (MAP3K7) binding protein 2; plus strand). Cytogenetic location: 6q25.1.
Variant type: single nucleotide variant.
Coding change: c.1604-2A>G on transcript NM_001292034.3 (MANE Select); the canonical splice acceptor site of the intron before coding-DNA position 1604, A replaced by G.
Molecular consequence: splice acceptor variant.
Genome position (GRCh38, 1-based): chr6:149,397,602, A>G. VCF-style: chr6-149397602-A-G. GRCh37 (hg19) VCF-style: chr6-149718738-A-G.
Other names: c.1508-2A>G (NM_001292035.3); c.1604-2A>G (NM_001369506.1, NM_015093.6).
Identifiers: ClinVar variation 1469627 (VCV001469627.7), dbSNP rs2114941534, ClinGen allele CA366003521.